The following is an entry in ClinVar:

NM_002055.5(GFAP):c.1111G>C (p.Glu371Gln)

Genes: GFAP (glial fibrillary acidic protein; minus strand), LOC130060994 (ATAC-STARR-seq lymphoblastoid active region 12266; plus strand). Cytogenetic location: 17q21.31.
Variant type: single nucleotide variant.
Coding change: c.1111G>C on transcript NM_002055.5 (MANE Select); coding-DNA position 1111, G replaced by C.
Protein change: p.Glu371Gln; replaces glutamic acid 371 with glutamine.
Molecular consequence: missense variant.
Genome position (GRCh38, 1-based): chr17:44,911,252, C>G on the plus strand (G>C on the coding strand, the complement: GFAP is on the minus strand). VCF-style: chr17-44911252-C-G. GRCh37 (hg19) VCF-style: chr17-42988620-C-G.
Other names: NM_002055.5(GFAP):c.1111G>C; c.1111G>C, p.Glu371Gln (NM_001131019.3, NM_001242376.3, NM_001363846.2); short protein forms E371Q.
Identifiers: ClinVar variation 66436 (VCV000066436.4), dbSNP rs267607526, ClinGen allele CA217114.
Genomic context (GRCh38, chr17:44,911,252, plus strand): 5'-GAGGCAGCAGGGAGACTTCCCCAGGGGCTGTGATGAGGGCTCACCGGTTCTCCTCGCCCT[C>G]TAGCAGCTTCCTGTAGGTGGCGATCTCGATGTCCAGGGCCAGCTTGACATTGAGCAGGTC-3'
Protein context (NP_002046.1, residues 361-381): IEIATYRKLL[Glu371Gln]GEENRITIPV

ClinVar aggregate classification (germline): Likely pathogenic. Review status: reviewed by expert panel (3 of 4 stars). 3 submissions from 3 submitters: Likely pathogenic (1). 2 of the submissions do not count toward it. Last evaluated 2026-10-23.

Conditions:
Alexander disease (ALXDRD). Also called: Alexander's disease. Identifiers: Orphanet 58, MedGen C0270726, MONDO:0008752, OMIM 203450.

Submissions (3):

ClinGen Leukodystrophy and Leukoencephalopathy Variant Curation Expert Panel, ClinGen
Classification: Likely pathogenic for Alexander disease. Last evaluated: 2026-10-23. Review status: reviewed by expert panel. Criteria: ClinGen Leuko ACMG Specifications GFAP V1.0. Collection method: curation. Allele origin: germline. Inheritance: Autosomal dominant inheritance.
Comment: The c.1111G>C variant in GFAP is a missense variant predicted to cause substitution of glutamic acid by glutamine at amino acid 371 (p.Glu371Gln). This variant has been reported in 1 proband meeting consistent diagnostic criteria for Alexander disease and displayed elevated GFAP level in the blood (704ng/L), which is highly specific for Alexander disease (PMID: 26478912) (PP4_strong). One missense variant, c.1111G>A, p.Glu371Lys (ClinVar Variation ID 1199219), in the same codon has been classified as likely pathogenic/pathogenic for Alexander disease by the ClinGen Leukodystrophy and Leukoencephalopathy VCEP [PM5]. This variant is absent from gnomAD v4.1.0 [PM2_Supporting]. In summary, this variant meets the criteria to be classified as a likely pathogenic for Alexander disease based on the ACMG/AMP criteria applied, as specified by the ClinGen Leukodystrophy and Leukoencephalopathy Expert Panel Specifications to the ACMG/AMP Variant Interpretation Guidelines for GFAP Version 1.0.0): (PP4_strong, PM5, PM2_supporting).

Epithelial Biology;  Institute of Medical Biology, Singapore
No classification provided. Review status: no classification provided. Collection method: not provided. Allele origin: not provided. Not counted in ClinVar's aggregate classification.

GeneReviews
No classification provided. Condition: Alexander disease. Review status: no classification provided. Collection method: literature only. Allele origin: germline. Affected: yes. Not counted in ClinVar's aggregate classification.

Literature cited by the submitters: PubMed 21917775 (cited by GeneReviews); NCBI Bookshelf NBK1172 (cited by GeneReviews).